The following is an entry in ClinVar:

ClinVar aggregate classification (germline): Uncertain significance (1 of 4 stars; one submission).

Conditions:
Medium-chain acyl-coenzyme A dehydrogenase deficiency (ACADMD). Also called: Medium chain acyl-CoA dehydrogenase deficiency; MCADD; ACADM DEFICIENCY; MCADH DEFICIENCY; MCAD Deficiency; CARNITINE DEFICIENCY SECONDARY TO MEDIUM-CHAIN ACYL-CoA DEHYDROGENASE DEFICIENCY. Identifiers: Orphanet 42, MedGen C0220710, MONDO:0008721, OMIM 201450.

Submission:

Labcorp Genetics (formerly Invitae), Labcorp
Classification: Uncertain significance for Medium-chain acyl-coenzyme A dehydrogenase deficiency. Last evaluated: 2024-01-02. Review status: criteria provided, single submitter. Criteria: Invitae Variant Classification Sherloc (09022015). Collection method: clinical testing. Allele origin: germline.
Comment: This variant occurs in a non-coding region of the ACADM gene. It does not change the encoded amino acid sequence of the ACADM protein. The frequency data for this variant in the population databases is considered unreliable, as metrics indicate poor data quality at this position in the gnomAD database. This variant has not been reported in the literature in individuals affected with ACADM-related conditions. ClinVar contains an entry for this variant (Variation ID: 2190068). In summary, the available evidence is currently insufficient to determine the role of this variant in disease. Therefore, it has been classified as a Variant of Uncertain Significance.

NM_000016.6(ACADM):c.*5delA

Gene: ACADM (acyl-CoA dehydrogenase medium chain; plus strand). Cytogenetic location: 1p31.1.
Variant type: Deletion.
Coding change: c.*5delA on transcript NM_000016.6 (MANE Select); 5 bases downstream of the stop codon, one base deleted (A).
Molecular consequence: no sequence alteration.
Genome position (GRCh38, 1-based): chr1:75,762,768, A deleted; the last of 7 consecutive A bases (chr1:75,762,762-75,762,768); deleting any one gives the same sequence. VCF-style (leftmost placement, unchanged base first): chr1-75762761-TA-T. GRCh37 (hg19) VCF-style: chr1-76228446-TA-T.
Other names: c.*5delA (NM_001127328.3, NM_001286042.2, NM_001286043.2 and 1 more transcripts).
Identifiers: ClinVar variation 2190068 (VCV002190068.3), dbSNP rs3841786, ClinGen allele CA913322.
Genomic context (GRCh38, chr1:75,762,761, plus strand): 5'-GGTACTTCACAAATTCAAAGACTTATTGTAGCCCGTGAACACATTGACAAGTACAAAAAT[TA>T]AAAAAATTACTGTAGAAATATTGAATAACTAGAACACAAGCCACTGTTTCAGCTCCAGAA-3'